The following is an entry in ClinVar:

ClinVar aggregate classification (germline): Conflicting classifications of pathogenicity. Review status: criteria provided, conflicting classifications (1 of 4 stars). 5 submissions from 5 submitters: Uncertain significance (4); Likely benign (1). Last evaluated 2025-01-20.

Conditions:
Familial thoracic aortic aneurysm and aortic dissection (TAAD). Also called: Thoracic aortic aneurysms and dissections. Identifiers: Orphanet 91387, MedGen C4707243, MONDO:0019625.
Congenital contractural arachnodactyly (CCA). Also called: Beals-Hecht syndrome; Arthrogryposis, distal, type 9; BEALS SYNDROME. Identifiers: Orphanet 115, MedGen C0220668, MONDO:0007363, OMIM 121050.
Marfan syndrome (MFS). Also called: MARFAN SYNDROME, TYPE I; FBN1-Related Marfan Syndrome; Marfan syndrome, classic; Marfan syndrome type 1; Marfan's syndrome. Identifiers: Orphanet 284963, Orphanet 558, MedGen C0024796, MONDO:0007947, OMIM 154700.

Allele frequency attached by ClinVar (database versions not stated): gnomAD 0.00003 and 0.00002; ESP Exome Variant Server 0.00008; ExAC 0.00002; TOPMed 0.00003; gnomAD exomes 0.00001.
gnomAD v4.1: 20 of 1,613,876 alleles (0.0012%); highest among the groups gnomAD compares: African/African-American, 0.0067%; no homozygotes.

Submissions (5):

Centro de Genética y Biología Molecular, Universidad de San Martín de Porres
Classification: Uncertain significance for Marfan syndrome. Last evaluated: 2025-01-20. Review status: criteria provided, single submitter. Criteria: ACMG Guidelines, 2015. Collection method: research. Allele origin: unknown. Inheritance: Autosomal dominant inheritance. Affected: yes.
Comment: Variant in the gene FBN2 has not been observed at significant frequency in large population cohorts (gnomAD); In silico analysis supports that this missense variant has a deleterious effect on protein structure/function

Labcorp Genetics (formerly Invitae), Labcorp
Classification: Likely benign for Congenital contractural arachnodactyly. Last evaluated: 2024-11-28. Review status: criteria provided, single submitter. Criteria: Invitae Variant Classification Sherloc (09022015). Collection method: clinical testing. Allele origin: germline.

Blueprint Genetics
Classification: Uncertain significance. Last evaluated: 2024-11-26. Review status: criteria provided, single submitter. Criteria: ACMG Guidelines, 2015. Collection method: clinical testing. Allele origin: germline.

GeneDx
Classification: Uncertain significance. Last evaluated: 2024-11-06. Review status: criteria provided, single submitter. Criteria: GeneDx Variant Classification Process June 2021. Collection method: clinical testing. Allele origin: germline. Affected: yes.
Comment: Not observed at significant frequency in large population cohorts (gnomAD); In silico analysis supports that this missense variant has a deleterious effect on protein structure/function; Has not been previously published as pathogenic or benign to our knowledge

Ambry Genetics
Classification: Uncertain significance for Familial thoracic aortic aneurysm and aortic dissection. Last evaluated: 2015-08-30. Review status: criteria provided, single submitter. Criteria: Ambry Variant Classification Scheme 2023. Collection method: clinical testing. Allele origin: germline.
Comment: The p.G2627S variant (also known as c.7879G>A), located in coding exon 62 of the FBN2 gene, results from a G to A substitution at nucleotide position 7879. The glycine at codon 2627 is replaced by serine, an amino acid with similar properties. This variant was previously reported in the SNPDatabase as rs369568420. Based on data from the NHLBI Exome Sequencing Project (ESP), the A allele has an overall frequency of approximately 0.01% (1/13006) total alleles studied, having been observed in 0.02% (1/4406) African American alleles. This amino acid position is highly conserved in available vertebrate species. In addition, the in silico prediction for this alteration is inconclusive. Since supporting evidence is limited at this time, the clinical significance of this variant remains unclear.

NM_001999.4(FBN2):c.7879G>A (p.Gly2627Ser)

Gene: FBN2 (fibrillin 2; minus strand). Cytogenetic location: 5q23.3.
Variant type: single nucleotide variant.
Coding change: c.7879G>A on transcript NM_001999.4 (MANE Select); coding-DNA position 7879, G replaced by A.
Protein change: p.Gly2627Ser; replaces glycine 2627 with serine.
Molecular consequence: missense variant.
Genome position (GRCh38, 1-based): chr5:128,272,080, C>T on the plus strand (G>A on the coding strand, the complement: FBN2 is on the minus strand). VCF-style: chr5-128272080-C-T. GRCh37 (hg19) VCF-style: chr5-127607772-C-T.
Other names: short protein forms G2627S.
Identifiers: ClinVar variation 264343 (VCV000264343.9), dbSNP rs369568420, ClinGen allele CA3393986.
Genomic context (GRCh38, chr5:128,272,080, plus strand): 5'-AGTGCTGGATGTAGCCTTGGGGGCAGCCACATCTGTAGCCACCCAGGATGTTCTGGCAGC[C>T]GTGTTGGCACCTGTGGTTCCCATCACATTCATCAACATCTGCAAAAACAAGCCCGGCAAA-3'
Protein context (NP_001990.2, residues 2617-2637): ECDGNHRCQH[Gly2627Ser]CQNILGGYRC